The following is an entry in ClinVar:

NM_000533.5(PLP1):c.365A>G (p.Lys122Arg)

Genes: PLP1 (proteolipid protein 1; plus strand), RAB9B (RAB9B, member RAS oncogene family; minus strand). Cytogenetic location: Xq22.2.
Variant type: single nucleotide variant.
Coding change: c.365A>G on transcript NM_000533.5 (MANE Select); coding-DNA position 365, A replaced by G.
Protein change: p.Lys122Arg; replaces lysine 122 with arginine.
Molecular consequence: missense variant. On other transcripts: intron variant (1).
Genome position (GRCh38, 1-based): chrX:103,786,638, A>G. VCF-style: chrX-103786638-A-G. GRCh37 (hg19) VCF-style: chrX-103041567-A-G.
Other names: c.365A>G, p.Lys122Arg (NM_001128834.3); c.200A>G, p.Lys67Arg (NM_001305004.1); c.348+17A>G (NM_199478.3); short protein forms K122R, K67R.
Identifiers: ClinVar variation 431078 (VCV000431078.2), dbSNP rs1135401759, ClinGen allele CA414102780.
Genomic context (GRCh38, chrX:103,786,638, plus strand): 5'-GCGACTACAAGACCACCATCTGCGGCAAGGGCCTGAGCGCAACGGTAACAGGGGGCCAGA[A>G]GGGGAGGGGTTCCAGAGGCCAACATCAAGCTCATTCTTTGGAGCGGGTGTGTCATTGTTT-3'
Protein context (NP_000524.3, residues 112-132): GLSATVTGGQ[Lys122Arg]GRGSRGQHQA

ClinVar aggregate classification (germline): Likely pathogenic (0 of 4 stars; one submission).

Conditions:
Hereditary spastic paraplegia 2 (SPG2). Also called: Spastic Paraplegia 2 (SPG2); SPASTIC PARAPLEGIA 2, X-LINKED. Identifiers: Orphanet 99015, MedGen C0751604, MONDO:0010733, OMIM 312920.

Submission:

Foundation for Research in Genetics and Endocrinology, FRIGE's Institute of Human Genetics
Classification: Likely pathogenic for Hereditary spastic paraplegia 2. Last evaluated: 2017-07-07. Review status: no assertion criteria provided. Collection method: clinical testing. Allele origin: germline. Inheritance: X-linked recessive inheritance. Affected: yes. Observed: 1 variant allele, 1 hemizygote.
Comment: This variant has not been described by 1000 genomes or ExAC. However this variant is been reported pathogenic by LRT and Mutation Taster.